The following is an entry in ClinVar:

NM_001365536.1(SCN9A):c.2155C>T (p.His719Tyr)

Genes: SCN1A-AS1 (SCN1A and SCN9A antisense RNA 1; plus strand), SCN9A (sodium voltage-gated channel alpha subunit 9; minus strand). Cytogenetic location: 2q24.3.
Variant type: single nucleotide variant.
Coding change: c.2155C>T on transcript NM_001365536.1 (MANE Select); coding-DNA position 2155, C replaced by T.
Protein change: p.His719Tyr; replaces histidine 719 with tyrosine.
Molecular consequence: missense variant.
Genome position (GRCh38, 1-based): chr2:166,280,545, G>A on the plus strand (C>T on the coding strand, the complement: SCN9A is on the minus strand). VCF-style: chr2-166280545-G-A. GRCh37 (hg19) VCF-style: chr2-167137055-G-A.
Other names: c.2122C>T, p.His708Tyr (NM_002977.4); short protein forms H708Y, H719Y.
Identifiers: ClinVar variation 838217 (VCV000838217.10), dbSNP rs1482628642, ClinGen allele CA349079847.

ClinVar aggregate classification (germline): Uncertain significance (1 of 4 stars; one submission).

Conditions:
Neuropathy, hereditary sensory and autonomic, type 2A (HSAN2A). Also called: HSAN IIA; MORVAN DISEASE; NEUROPATHY, CONGENITAL SENSORY; NEUROPATHY, HEREDITARY SENSORY RADICULAR, AUTOSOMAL RECESSIVE; NEUROPATHY, HEREDITARY SENSORY, TYPE IIA; NEUROPATHY, PROGRESSIVE SENSORY, OF CHILDREN. Identifiers: Orphanet 970, MedGen C2752089, MONDO:0024309, OMIM 201300.
Generalized epilepsy with febrile seizures plus, type 7 (GEFSP7). Also called: GEFS+, TYPE 7. Identifiers: Orphanet 36387, MedGen C2751778, MONDO:0013470, OMIM 613863.

Allele frequency attached by ClinVar (database versions not stated): TOPMed 0.00001.

Submission:

Labcorp Genetics (formerly Invitae), Labcorp
Classification: Uncertain significance for Neuropathy, hereditary sensory and autonomic, type 2A; Generalized epilepsy with febrile seizures plus, type 7. Last evaluated: 2019-04-12. Review status: criteria provided, single submitter. Criteria: Invitae Variant Classification Sherloc (09022015). Collection method: clinical testing. Allele origin: germline.
Comment: This sequence change replaces histidine with tyrosine at codon 708 of the SCN9A protein (p.His708Tyr). The histidine residue is moderately conserved and there is a moderate physicochemical difference between histidine and tyrosine. This variant is not present in population databases (ExAC no frequency). This variant has not been reported in the literature in individuals with SCN9A-related conditions. Algorithms developed to predict the effect of missense changes on protein structure and function output the following: SIFT: "Tolerated"; PolyPhen-2: "Benign"; Align-GVGD: "Class C15". The tyrosine amino acid residue is found in multiple mammalian species, suggesting that this missense change does not adversely affect protein function. These predictions have not been confirmed by published functional studies and their clinical significance is uncertain. In summary, the available evidence is currently insufficient to determine the role of this variant in disease. Therefore, it has been classified as a Variant of Uncertain Significance.